The following is an entry in ClinVar:

ClinVar aggregate classification (germline): Uncertain significance (1 of 4 stars; one submission).

Submission:

GeneDx
Classification: Uncertain significance. Last evaluated: 2024-01-02. Review status: criteria provided, single submitter. Criteria: GeneDx Variant Classification Process June 2021. Collection method: clinical testing. Allele origin: germline. Affected: yes.
Comment: Not observed at significant frequency in large population cohorts (gnomAD); In silico analysis supports that this variant does not alter protein structure/function; Has not been previously published as pathogenic or benign to our knowledge; Also known as 1547_1549delinsCTC

NM_000059.4(BRCA2):c.1319_1321delinsCTC (p.Leu440_Thr441delinsProPro)

Gene: BRCA2 (BRCA2 DNA repair associated; plus strand). Cytogenetic location: 13q13.1.
Variant type: Indel.
Coding change: c.1319_1321delinsCTC on transcript NM_000059.4 (MANE Select); coding-DNA positions 1319 to 1321, TTA replaced by CTC.
Protein change: p.Leu440_Thr441delinsProPro.
Molecular consequence: missense variant. On other transcripts: non-coding transcript variant (1), intron variant (1).
Genome position (GRCh38, 1-based): chr13:32,332,797-32,332,799, TTA replaced by CTC. VCF-style: chr13-32332797-TTA-CTC. GRCh37 (hg19) VCF-style: chr13-32906934-TTA-CTC.
Other names: c.1319_1321delTTAinsCTC, p.Leu440_Thr441delinsProPro (NM_000059.3); c.1319_1321delinsCTC, p.Leu440_Thr441delinsProPro (NM_001406719.1, NM_001406720.1, NM_001406721.1 and 1 more transcripts); c.424+1767_424+1769delinsCTC (NM_001406722.1).
Identifiers: ClinVar variation 3367465 (VCV003367465.1).